The following is an entry in ClinVar:

ClinVar aggregate classification (germline): Conflicting classifications of pathogenicity. Review status: criteria provided, conflicting classifications (1 of 4 stars). 2 submissions from 2 submitters: Uncertain significance (1); Likely benign (1). Last evaluated 2022-09-01.

Conditions:
Propionic acidemia (PROP). Also called: GLYCINEMIA, KETOTIC; HYPERGLYCINEMIA WITH KETOACIDOSIS AND LEUKOPENIA; KETOTIC HYPERGLYCINEMIA. Identifiers: Orphanet 35, MedGen C0268579, MONDO:0011628, OMIM 606054, HP:0003571.

Allele frequency attached by ClinVar (database versions not stated): gnomAD 0.00001; TOPMed 0.00001; gnomAD exomes 0.00002.
gnomAD v4.1: 25 of 1,612,636 alleles (0.0016%); highest among the groups gnomAD compares: Non-Finnish European, 0.0021%; no homozygotes.

Submissions (2):

Labcorp Genetics (formerly Invitae), Labcorp
Classification: Uncertain significance for Propionic acidemia. Last evaluated: 2022-09-01. Review status: criteria provided, single submitter. Criteria: Invitae Variant Classification Sherloc (09022015). Collection method: clinical testing. Allele origin: germline.
Comment: This sequence change replaces arginine, which is basic and polar, with histidine, which is basic and polar, at codon 53 of the PCCB protein (p.Arg53His). The frequency data for this variant in the population databases is considered unreliable, as metrics indicate poor data quality at this position in the gnomAD database. This variant has not been reported in the literature in individuals affected with PCCB-related conditions. Advanced modeling of protein sequence and biophysical properties (such as structural, functional, and spatial information, amino acid conservation, physicochemical variation, residue mobility, and thermodynamic stability) performed at Invitae indicates that this missense variant is not expected to disrupt PCCB protein function. In summary, the available evidence is currently insufficient to determine the role of this variant in disease. Therefore, it has been classified as a Variant of Uncertain Significance.

Blueprint Genetics
Classification: Likely benign. Last evaluated: 2020-04-20. Review status: criteria provided, single submitter. Criteria: ACMG Guidelines, 2015. Collection method: clinical testing. Allele origin: germline.

NM_000532.5(PCCB):c.158G>A (p.Arg53His)

Gene: PCCB (propionyl-CoA carboxylase subunit beta; plus strand). Cytogenetic location: 3q22.3.
Variant type: single nucleotide variant.
Coding change: c.158G>A on transcript NM_000532.5 (MANE Select); coding-DNA position 158, G replaced by A.
Protein change: p.Arg53His; replaces arginine 53 with histidine.
Molecular consequence: missense variant.
Genome position (GRCh38, 1-based): chr3:136,250,533, G>A. VCF-style: chr3-136250533-G-A. GRCh37 (hg19) VCF-style: chr3-135969375-G-A.
Other names: c.158G>A, p.Arg53His (NM_001178014.2); short protein forms R53H.
Identifiers: ClinVar variation 1947932 (VCV001947932.3), dbSNP rs1198214990, ClinGen allele CA354738099.